The following is an entry in ClinVar:

ClinVar aggregate classification (germline): Uncertain significance (1 of 4 stars; one submission).

Submission:

Labcorp Genetics (formerly Invitae), Labcorp
Classification: Uncertain significance. Last evaluated: 2023-07-21. Review status: criteria provided, single submitter. Criteria: Invitae Variant Classification Sherloc (09022015). Collection method: clinical testing. Allele origin: germline.
Comment: This sequence change replaces arginine, which is basic and polar, with leucine, which is neutral and non-polar, at codon 235 of the SIM1 protein (p.Arg235Leu). In summary, the available evidence is currently insufficient to determine the role of this variant in disease. Therefore, it has been classified as a Variant of Uncertain Significance. An algorithm developed to predict the effect of missense changes on protein structure and function (PolyPhen-2) suggests that this variant is likely to be disruptive. This variant has not been reported in the literature in individuals affected with SIM1-related conditions. This variant is not present in population databases (gnomAD no frequency).

NM_005068.3(SIM1):c.704G>T (p.Arg235Leu)

Gene: SIM1 (SIM bHLH transcription factor 1; minus strand). Cytogenetic location: 6q16.3.
Variant type: single nucleotide variant.
Coding change: c.704G>T on transcript NM_005068.3 (MANE Select); coding-DNA position 704, G replaced by T.
Protein change: p.Arg235Leu; replaces arginine 235 with leucine.
Molecular consequence: missense variant.
Genome position (GRCh38, 1-based): chr6:100,448,518, C>A on the plus strand (G>T on the coding strand, the complement: SIM1 is on the minus strand). VCF-style: chr6-100448518-C-A. GRCh37 (hg19) VCF-style: chr6-100896394-C-A.
Other names: c.704G>T, p.Arg235Leu (NM_001374769.1); short protein forms R235L.
Identifiers: ClinVar variation 2745705 (VCV002745705.3), dbSNP rs2482136235, ClinGen allele CA365124540.